The following is an entry in ClinVar:

NM_173651.4(FSIP2):c.11219C>A (p.Thr3740Asn)

Gene: FSIP2 (fibrous sheath interacting protein 2; plus strand). Cytogenetic location: 2q32.1.
Variant type: single nucleotide variant.
Coding change: c.11219C>A on transcript NM_173651.4 (MANE Select); coding-DNA position 11219, C replaced by A.
Protein change: p.Thr3740Asn; replaces threonine 3740 with asparagine.
Molecular consequence: missense variant.
Genome position (GRCh38, 1-based): chr2:185,800,525, C>A. VCF-style: chr2-185800525-C-A. GRCh37 (hg19) VCF-style: chr2-186665252-C-A.
Other names: short protein forms T3740N.
Identifiers: ClinVar variation 3040372 (VCV003040372.2), dbSNP rs554210799, ClinGen allele CA2016947.

ClinVar aggregate classification (germline): Benign (0 of 4 stars; one submission).

Conditions:
FSIP2-related disorder. Also called: FSIP2-related condition.

Allele frequency attached by ClinVar (database versions not stated): TOPMed 0.00008; gnomAD 0.00034; 1000 Genomes Project 0.00240; 1000 Genomes Project 30x 0.00250; ExAC 0.00499.

Submission:

PreventionGenetics, part of Exact Sciences
Classification: Benign for FSIP2-related condition. Last evaluated: 2019-09-12. Review status: no assertion criteria provided. Collection method: clinical testing. Allele origin: germline.
Comment: This variant is classified as benign based on ACMG/AMP sequence variant interpretation guidelines (Richards et al. 2015 PMID: 25741868, with internal and published modifications).